The following is an entry in ClinVar:

NM_000135.4(FANCA):c.1034_1040del (p.Glu345fs)

Gene: FANCA (FA complementation group A; minus strand). Cytogenetic location: 16q24.3.
Variant type: Deletion.
Coding change: c.1034_1040del on transcript NM_000135.4 (MANE Select); coding-DNA positions 1034 to 1040, 7 bases deleted (AGTGGAG; older notation c.1034_1040delAGTGGAG).
Protein change: p.Glu345fs; shifts the reading frame from glutamic acid 345.
Molecular consequence: frameshift variant.
Genome position (GRCh38, 1-based): chr16:89,792,514-89,792,520, CTCCACT deleted on the plus strand (AGTGGAG on the coding strand, the reverse complement: FANCA is on the minus strand); deleting any 7 consecutive bases within chr16:89,792,514-89,792,523 gives the same sequence; the c. name uses the placement nearest the transcript's 3' end. VCF-style (leftmost placement, unchanged base first): chr16-89792513-GCTCCACT-G. GRCh37 (hg19) VCF-style: chr16-89858921-GCTCCACT-G.
Other names: c.1034_1040del, p.Glu345fs (NM_001286167.3); short protein forms E345fs.
Identifiers: ClinVar variation 1076440 (VCV001076440.7), dbSNP rs2143534611, ClinGen allele CA2499223861.

ClinVar aggregate classification (germline): Pathogenic (1 of 4 stars; one submission).

Conditions:
Fanconi anemia (FA). Also called: Fanconi's anemia. Identifiers: Orphanet 84, MedGen C0015625, MeSH D005199, MONDO:0019391.

Submission:

Labcorp Genetics (formerly Invitae), Labcorp
Classification: Pathogenic for Fanconi anemia. Last evaluated: 2020-09-30. Review status: criteria provided, single submitter. Criteria: Invitae Variant Classification Sherloc (09022015). Collection method: clinical testing. Allele origin: germline.
Comment: This sequence change creates a premature translational stop signal (p.Glu345Alafs*18) in the FANCA gene. It is expected to result in an absent or disrupted protein product. This variant is not present in population databases (ExAC no frequency). This variant has not been reported in the literature in individuals with FANCA-related conditions. Loss-of-function variants in FANCA are known to be pathogenic (PMID: 19367192). For these reasons, this variant has been classified as Pathogenic.

Literature cited by the submitters: PubMed 19367192.